The following is an entry in ClinVar:

ClinVar aggregate classification (germline): Uncertain significance. Review status: criteria provided, multiple submitters, no conflicts (2 of 4 stars). 2 submissions from 2 submitters: Uncertain significance (2). Last evaluated 2025-10-07.

Conditions:
Hereditary cancer-predisposing syndrome. Also called: Hereditary Cancer Syndrome; Neoplastic Syndromes, Hereditary; Hereditary neoplastic syndrome; Tumor predisposition. Identifiers: Orphanet 140162, MedGen C0027672, MeSH D009386, MONDO:0015356.
Hereditary diffuse gastric adenocarcinoma (HDGC). Also called: DIFFUSE GASTRIC AND LOBULAR BREAST CANCER SYNDROME. Identifiers: Orphanet 26106, MedGen C1708349, MONDO:0007648, OMIM 137215.

Submissions (2):

Labcorp Genetics (formerly Invitae), Labcorp
Classification: Uncertain significance for Hereditary diffuse gastric adenocarcinoma. Last evaluated: 2025-10-07. Review status: criteria provided, single submitter. Criteria: Invitae Variant Classification Sherloc (09022015). Collection method: clinical testing. Allele origin: germline.
Comment: This sequence change replaces valine, which is neutral and non-polar, with leucine, which is neutral and non-polar, at codon 832 of the CDH1 protein (p.Val832Leu). This variant is not present in population databases (gnomAD no frequency). This variant has not been reported in the literature in individuals affected with CDH1-related conditions. ClinVar contains an entry for this variant (Variation ID: 821360). An algorithm developed to predict the effect of missense changes on protein structure and function (PolyPhen-2) suggests that this variant is likely to be disruptive. In summary, the available evidence is currently insufficient to determine the role of this variant in disease. Therefore, it has been classified as a Variant of Uncertain Significance.

Ambry Genetics
Classification: Uncertain significance for Hereditary cancer-predisposing syndrome. Last evaluated: 2024-09-20. Review status: criteria provided, single submitter. Criteria: Ambry Variant Classification Scheme 2023. Collection method: clinical testing. Allele origin: germline.
Comment: The p.V832L variant (also known as c.2494G>T), located in coding exon 16 of the CDH1 gene, results from a G to T substitution at nucleotide position 2494. The valine at codon 832 is replaced by leucine, an amino acid with highly similar properties. This amino acid position is highly conserved in available vertebrate species. In addition, the in silico prediction for this alteration is inconclusive. Based on the available evidence, the clinical significance of this variant remains unclear.

NM_004360.5(CDH1):c.2494G>T (p.Val832Leu)

Gene: CDH1 (cadherin 1; plus strand). Cytogenetic location: 16q22.1.
Variant type: single nucleotide variant.
Coding change: c.2494G>T on transcript NM_004360.5 (MANE Select); coding-DNA position 2494, G replaced by T.
Protein change: p.Val832Leu; replaces valine 832 with leucine.
Molecular consequence: missense variant.
Genome position (GRCh38, 1-based): chr16:68,833,344, G>T. VCF-style: chr16-68833344-G-T. GRCh37 (hg19) VCF-style: chr16-68867247-G-T.
Other names: c.2311G>T, p.Val771Leu (NM_001317184.2); c.946G>T, p.Val316Leu (NM_001317185.2); c.529G>T, p.Val177Leu (NM_001317186.2); short protein forms V177L, V316L, V771L, V832L.
Identifiers: ClinVar variation 821360 (VCV000821360.13), dbSNP rs35572355, ClinGen allele CA396472149.
Genomic context (GRCh38, chr16:68,833,344, plus strand): 5'-CTTTAGAATCTGAAAGCGGCTGATACTGACCCCACAGCCCCGCCTTATGATTCTCTGCTC[G>T]TGTTTGACTATGAAGGAAGCGGTTCCGAAGCTGCTAGTCTGAGCTCCCTGAACTCCTCAG-3'
Protein context (NP_004351.1, residues 822-842): PTAPPYDSLL[Val832Leu]FDYEGSGSEA